The following is an entry in ClinVar:

NM_001267550.2(TTN):c.103637G>A (p.Arg34546His)

Genes: TTN (titin; minus strand), TTN-AS1 (TTN antisense RNA 1; plus strand). Cytogenetic location: 2q31.2.
Variant type: single nucleotide variant.
Coding change: c.103637G>A on transcript NM_001267550.2 (MANE Select); coding-DNA position 103637, G replaced by A.
Protein change: p.Arg34546His; replaces arginine 34546 with histidine.
Molecular consequence: missense variant.
Genome position (GRCh38, 1-based): chr2:178,532,978, C>T on the plus strand (G>A on the coding strand, the complement: TTN is on the minus strand). VCF-style: chr2-178532978-C-T. GRCh37 (hg19) VCF-style: chr2-179397705-C-T.
Other names: c.98714G>A, p.Arg32905His (NM_001256850.1); c.76442G>A, p.Arg25481His (NM_003319.4); c.95933G>A, p.Arg31978His (NM_133378.4); c.76817G>A, p.Arg25606His (NM_133432.3); c.77018G>A, p.Arg25673His (NM_133437.4); c.103637G>A (NM_001267550.1); short protein forms R31978H, R34546H, R25481H, R25606H, R25673H, R32905H.
Identifiers: ClinVar variation 1516568 (VCV001516568.7), dbSNP rs973169397, ClinGen allele CA60956978.
Genomic context (GRCh38, chr2:178,532,978, plus strand): 5'-GACATGGGCACGAACTGCTTGATGCGTTGGTCTTCTTCTATGGTAGTCTGCTTATACTTG[C>T]GTGGCTCTGGTACATCATAAGGCATCCGGAGTTTTCTCTCCTCCTTCTTTTCTTCTATCT-3'
Protein context (NP_001254479.2, residues 34536-34556): LRMPYDVPEP[Arg34546His]KYKQTTIEED

ClinVar aggregate classification (germline): Uncertain significance. Review status: criteria provided, multiple submitters, no conflicts (2 of 4 stars). 2 submissions from 2 submitters: Uncertain significance (2). Last evaluated 2025-08-18.

Conditions:
Dilated cardiomyopathy 1G (CMD1G). Identifiers: Orphanet 154, MedGen C1858763, MONDO:0011400, OMIM 604145.
Autosomal recessive limb-girdle muscular dystrophy type 2J (LGMDR10). Also called: Limb-girdle muscular dystrophy, type 2J; MUSCULAR DYSTROPHY, LIMB-GIRDLE, AUTOSOMAL RECESSIVE 10. Identifiers: Orphanet 140922, MedGen C1837342, MONDO:0012127, OMIM 608807.

Allele frequency attached by ClinVar (database versions not stated): gnomAD exomes 0.00001; TOPMed 0.00005.
gnomAD v4.1: 8 of 1,613,880 alleles (0.0005%); highest among the groups gnomAD compares: Admixed American, 0.0017%; no homozygotes.

Submissions (2):

Labcorp Genetics (formerly Invitae), Labcorp
Classification: Uncertain significance for Dilated cardiomyopathy 1G; Autosomal recessive limb-girdle muscular dystrophy type 2J. Last evaluated: 2025-08-18. Review status: criteria provided, single submitter. Criteria: Invitae Variant Classification Sherloc (09022015). Collection method: clinical testing. Allele origin: germline.
Comment: This sequence change replaces arginine, which is basic and polar, with histidine, which is basic and polar, at codon 34546 of the TTN protein (p.Arg34546His). This variant is present in population databases (no rsID available, gnomAD 0.0009%). This variant has not been reported in the literature in individuals affected with TTN-related conditions. ClinVar contains an entry for this variant (Variation ID: 1516568). Experimental studies and prediction algorithms are not available or were not evaluated, and the functional significance of this variant is currently unknown. This variant is located in the M band of TTN (PMID: 25589632). Non-truncating variants in this region may be relevant for neuromuscular disorders, but have not been definitively shown to cause cardiomyopathy (PMID: 23975875). In summary, the available evidence is currently insufficient to determine the role of this variant in disease. Therefore, it has been classified as a Variant of Uncertain Significance.

GeneDx
Classification: Uncertain significance. Last evaluated: 2024-06-27. Review status: criteria provided, single submitter. Criteria: GeneDx Variant Classification Process June 2021. Collection method: clinical testing. Allele origin: germline. Affected: yes.
Comment: Not observed at significant frequency in large population cohorts (gnomAD); Missense variant in a gene in which most reported pathogenic variants are truncating/loss of function; Has not been previously published as pathogenic or benign to our knowledge

Literature cited by the submitters: PubMed 25589632 (cited by Labcorp Genetics (formerly Invitae), Labcorp); PubMed 23975875 (cited by Labcorp Genetics (formerly Invitae), Labcorp).